The following is an entry in ClinVar:

NM_001110556.2(FLNA):c.4720G>A (p.Asp1574Asn)

Gene: FLNA (filamin A; minus strand). Cytogenetic location: Xq28.
Variant type: single nucleotide variant.
Coding change: c.4720G>A on transcript NM_001110556.2 (MANE Select); coding-DNA position 4720, G replaced by A.
Protein change: p.Asp1574Asn; replaces aspartic acid 1574 with asparagine.
Molecular consequence: missense variant.
Genome position (GRCh38, 1-based): chrX:154,358,234, C>T on the plus strand (G>A on the coding strand, the complement: FLNA is on the minus strand). VCF-style: chrX-154358234-C-T. GRCh37 (hg19) VCF-style: chrX-153586602-C-T.
Other names: c.4720G>A, p.Asp1574Asn (NM_001456.4); short protein forms D1574N.
Identifiers: ClinVar variation 3763150 (VCV003763150.2).

ClinVar aggregate classification (germline): Uncertain significance (1 of 4 stars; one submission).

Conditions:
Oto-palato-digital syndrome, type II (OPD2). Also called: Otopalatodigital Syndrome Type 2 (FLNA-OPD2); FACIOPALATOOSSEOUS SYNDROME; OPD II SYNDROME; Otopalatodigital Syndrome, Type II. Identifiers: Orphanet 669, Orphanet 90652, MedGen C1844696, MONDO:0010571, OMIM 304120.
Heterotopia, periventricular, X-linked dominant (PVNH1). Also called: PERIVENTRICULAR NODULAR HETEROTOPIA 1; X-linked periventricular heterotopia; PERIVENTRICULAR NODULAR HETEROTOPIA 4; HETEROTOPIA, PERIVENTRICULAR, 1. Identifiers: Orphanet 2149, Orphanet 82004, MedGen C1848213, MONDO:0010233, OMIM 300049.
Frontometaphyseal dysplasia (FMD1). Identifiers: Orphanet 1826, MedGen C0265293, MONDO:0015942.
Melnick-Needles syndrome (MNS). Also called: Melnick-Needles Syndrome (FLNA-MNS); MELNICK-NEEDLES OSTEODYSPLASTY; OSTEODYSPLASTY OF MELNICK AND NEEDLES. Identifiers: Orphanet 2484, MedGen C0025237, MONDO:0010650, OMIM 309350.

Submission:

Labcorp Genetics (formerly Invitae), Labcorp
Classification: Uncertain significance for Oto-palato-digital syndrome, type II; Heterotopia, periventricular, X-linked dominant; Frontometaphyseal dysplasia; Melnick-Needles syndrome. Last evaluated: 2024-08-28. Review status: criteria provided, single submitter. Criteria: Invitae Variant Classification Sherloc (09022015). Collection method: clinical testing. Allele origin: germline.
Comment: This sequence change replaces aspartic acid, which is acidic and polar, with asparagine, which is neutral and polar, at codon 1574 of the FLNA protein (p.Asp1574Asn). This variant is not present in population databases (gnomAD no frequency). This variant has not been reported in the literature in individuals affected with FLNA-related conditions. Invitae Evidence Modeling of protein sequence and biophysical properties (such as structural, functional, and spatial information, amino acid conservation, physicochemical variation, residue mobility, and thermodynamic stability) indicates that this missense variant is not expected to disrupt FLNA protein function with a negative predictive value of 95%. In summary, the available evidence is currently insufficient to determine the role of this variant in disease. Therefore, it has been classified as a Variant of Uncertain Significance.